The following is an entry in ClinVar:

NM_000285.4(PEPD):c.548+15T>C

Gene: PEPD (peptidase D; minus strand). Cytogenetic location: 19q13.11.
Variant type: single nucleotide variant.
Coding change: c.548+15T>C on transcript NM_000285.4 (MANE Select); 15 bases into the intron after coding-DNA position 548, T replaced by C.
Molecular consequence: intron variant.
Genome position (GRCh38, 1-based): chr19:33,478,031, A>G on the plus strand (T>C on the coding strand, the complement: PEPD is on the minus strand). VCF-style: chr19-33478031-A-G. GRCh37 (hg19) VCF-style: chr19-33968937-A-G.
Other names: p.?; c.356+15T>C (NM_001166057.2); c.548+15T>C (NM_001166056.2).
Identifiers: ClinVar variation 1580166 (VCV001580166.9), dbSNP rs375333595, ClinGen allele CA9364256.

ClinVar aggregate classification (germline): Likely benign. Review status: criteria provided, multiple submitters, no conflicts (2 of 4 stars). 2 submissions from 2 submitters: Likely benign (2). Last evaluated 2025-09-19.

Allele frequency attached by ClinVar (database versions not stated): gnomAD exomes 0.00002 and 0.00004; ExAC 0.00007; 1000 Genomes Project 30x 0.00016; ESP Exome Variant Server 0.00016; 1000 Genomes Project 0.00020; gnomAD 0.00025 and 0.00026; TOPMed 0.00026.
gnomAD v4.1: 63 of 1,596,642 alleles (0.0039%); highest among the groups gnomAD compares: African/African-American, 0.076%; no homozygotes.

Submissions (2):

Labcorp Genetics (formerly Invitae), Labcorp
Classification: Likely benign. Last evaluated: 2025-09-19. Review status: criteria provided, single submitter. Criteria: Invitae Variant Classification Sherloc (09022015). Collection method: clinical testing. Allele origin: germline.

Mayo Clinic Laboratories, Mayo Clinic
Classification: Likely benign. Last evaluated: 2025-06-09. Review status: criteria provided, single submitter. Criteria: ACMG Guidelines, 2015. Collection method: clinical testing. Allele origin: germline. Observed: 2 variant alleles.
Comment: BP4, BP7